The following is an entry in ClinVar:

NM_000414.4(HSD17B4):c.280+4A>T

Gene: HSD17B4 (hydroxysteroid 17-beta dehydrogenase 4; plus strand). Cytogenetic location: 5q23.1.
Variant type: single nucleotide variant.
Coding change: c.280+4A>T on transcript NM_000414.4 (MANE Select); 4 bases into the intron after coding-DNA position 280, A replaced by T.
Molecular consequence: intron variant.
Genome position (GRCh38, 1-based): chr5:119,474,464, A>T. VCF-style: chr5-119474464-A-T. GRCh37 (hg19) VCF-style: chr5-118810159-A-T.
Other names: c.-132+4A>T (NM_001374503.1, NM_001374502.1, NM_001374501.1 and 1 more transcripts); c.355+4A>T (NM_001199291.3); c.-1+4A>T (NM_001374499.1); c.-259+4A>T (NM_001374500.1); c.208+4A>T (NM_001292027.2); c.280+4A>T (NM_001374498.1, NM_001374497.1); c.226+4A>T (NM_001199292.2).
Identifiers: ClinVar variation 2152676 (VCV002152676.2), dbSNP rs759020197, ClinGen allele CA3381744.

ClinVar aggregate classification (germline): Uncertain significance (1 of 4 stars; one submission).

Conditions:
Bifunctional peroxisomal enzyme deficiency (DBIF). Also called: D-bifunctional protein deficiency; DBP DEFICIENCY; PBFE DEFICIENCY. Identifiers: Orphanet 300, MedGen C0342870, MONDO:0009855, OMIM 261515. Disease mechanism: loss of function.
Perrault syndrome. Also called: Gonadal dysgenesis with auditory dysfunction, autosomal recessive inheritance. Identifiers: Orphanet 2855, MedGen C0685838, MONDO:0017312.

Submissions (2):

Labcorp Genetics (formerly Invitae), Labcorp
Classification: Uncertain significance for Perrault syndrome; Bifunctional peroxisomal enzyme deficiency. Last evaluated: 2021-12-22. Review status: criteria provided, single submitter. Criteria: Invitae Variant Classification Sherloc (09022015). Collection method: clinical testing. Allele origin: germline.
Comment: This sequence change falls in intron 4 of the HSD17B4 gene. It does not directly change the encoded amino acid sequence of the HSD17B4 protein. It affects a nucleotide within the consensus splice site. This variant is present in population databases (rs759020197, gnomAD 0.0009%). This variant has not been reported in the literature in individuals affected with HSD17B4-related conditions. Variants that disrupt the consensus splice site are a relatively common cause of aberrant splicing (PMID: 17576681, 9536098). Algorithms developed to predict the effect of sequence changes on RNA splicing suggest that this variant may disrupt the consensus splice site. In summary, the available evidence is currently insufficient to determine the role of this variant in disease. Therefore, it has been classified as a Variant of Uncertain Significance.

Dr. Peter K. Rogan Lab, Western University
No classification provided (evidence only). Condition: Melanoma. Review status: no classification provided. Collection method: in vitro. Allele origin: not applicable. Functional consequence: retained intron. Not counted in ClinVar's aggregate classification.

Literature cited by the submitters: PubMed 17576681 (cited by Labcorp Genetics (formerly Invitae), Labcorp); PubMed 9536098 (cited by Labcorp Genetics (formerly Invitae), Labcorp).